The following is an entry in ClinVar:

NM_000257.4(MYH7):c.2821C>A (p.Arg941Ser)

Gene: MYH7 (myosin heavy chain 7; minus strand). Cytogenetic location: 14q11.2.
Variant type: single nucleotide variant.
Coding change: c.2821C>A on transcript NM_000257.4 (MANE Select); coding-DNA position 2821, C replaced by A.
Protein change: p.Arg941Ser; replaces arginine 941 with serine.
Molecular consequence: missense variant.
Genome position (GRCh38, 1-based): chr14:23,424,008, G>T on the plus strand (C>A on the coding strand, the complement: MYH7 is on the minus strand). VCF-style: chr14-23424008-G-T. GRCh37 (hg19) VCF-style: chr14-23893217-G-T.
Other names: short protein forms R941S.
Identifiers: ClinVar variation 407201 (VCV000407201.44), dbSNP rs750435648, ClinGen allele CA034383.
Genomic context (GRCh38, chr14:23,424,008, plus strand): 5'-GTGTCAGCTCCAGATCATCGATGTCCCTTTTGAGCTCTGAGCACTCATCTTCCAGCTTGC[G>T]CTTCTTGGCAGTGAGCTCAGCATTCATCTCCTCCTCATCCTCCAGCCTCTCGTTCATCTC-3'
Protein context (NP_000248.2, residues 931-951): EMNAELTAKK[Arg941Ser]KLEDECSELK

ClinVar aggregate classification (germline): Uncertain significance. Review status: criteria provided, multiple submitters, no conflicts (2 of 4 stars). 4 submissions from 4 submitters: Uncertain significance (4). Last evaluated 2024-05-10.

Conditions:
Cardiomyopathy (CMYO). Also called: Cardiomyopathies. Identifiers: Orphanet 167848, MedGen C0878544, MONDO:0004994, HP:0001638. Inheritance: Various modes of inheritance.
Hypertrophic cardiomyopathy. Also called: HYPERTROPHIC MYOCARDIOPATHY. Identifiers: Orphanet 217569, MedGen C0007194, MeSH D002312, MONDO:0005045, HP:0001639.
Cardiovascular phenotype. Identifiers: MedGen CN230736.

Allele frequency attached by ClinVar (database versions not stated): gnomAD exomes below 0.00001; ExAC 0.00001.
gnomAD v4.1: 2 of 1,614,194 alleles (0.00012%); highest among the groups gnomAD compares: Non-Finnish European, 0.00017%; no homozygotes.

Submissions (4):

Ambry Genetics
Classification: Uncertain significance for Cardiovascular phenotype. Last evaluated: 2024-05-10. Review status: criteria provided, single submitter. Criteria: Ambry Variant Classification Scheme 2023. Collection method: clinical testing. Allele origin: germline.
Comment: The p.R941S variant (also known as c.2821C>A), located in coding exon 21 of the MYH7 gene, results from a C to A substitution at nucleotide position 2821. The arginine at codon 941 is replaced by serine, an amino acid with dissimilar properties. This amino acid position is highly conserved in available vertebrate species. In addition, this alteration is predicted to be deleterious by in silico analysis. Based on the available evidence, the clinical significance of this variant remains unclear.

Color Diagnostics, LLC DBA Color Health
Classification: Uncertain significance for Cardiomyopathy. Last evaluated: 2024-03-06. Review status: criteria provided, single submitter. Criteria: ACMG Guidelines, 2015. Collection method: clinical testing. Allele origin: germline.
Comment: This missense variant replaces arginine with serine at codon 941 of the MYH7 protein. Computational prediction tool suggests that this variant may have deleterious impact on protein structure and function (internally defined REVEL score threshold >=0.7, PMID: 27666373). Splice site prediction tools suggest that this variant may not impact RNA splicing. To our knowledge, functional studies have not been performed for this variant. This variant has not been reported in individuals affected with cardiovascular disorders in the literature. This variant has been identified in 1/251494 chromosomes in the general population by the Genome Aggregation Database (gnomAD). The available evidence is insufficient to determine the role of this variant in disease conclusively. Therefore, this variant is classified as a Variant of Uncertain Significance.

CeGaT Center for Human Genetics Tuebingen
Classification: Uncertain significance. Last evaluated: 2022-12-01. Review status: criteria provided, single submitter. Criteria: CeGaT Center For Human Genetics Tuebingen Variant Classification Criteria Version 2. Collection method: clinical testing. Allele origin: germline. Affected: yes. Observed: 1 variant allele.
Comment: MYH7: PP2, PP3

Labcorp Genetics (formerly Invitae), Labcorp
Classification: Uncertain significance for Hypertrophic cardiomyopathy. Last evaluated: 2016-08-03. Review status: criteria provided, single submitter. Criteria: Invitae Variant Classification Sherloc (09022015). Collection method: clinical testing. Allele origin: germline.
Comment: In summary, this variant is a rare missense change with uncertain impact on protein function. There is no indication that it causes disease, but the available evidence is currently insufficient to prove that conclusively. Therefore, it has been classified as a Variant of Uncertain Significance. Algorithms developed to predict the effect of missense changes on protein structure and function (SIFT, PolyPhen-2, Align-GVGD) all suggest that this variant is likely to be disruptive, but these predictions have not been confirmed by published functional studies. This variant is present in population databases (rs750435648, ExAC 0.001%) but has not been reported in the literature in individuals with a MYH7-related disease. This sequence change replaces arginine with serine at codon 941 of the MYH7 protein (p.Arg941Ser). The arginine residue is highly conserved and there is a moderate physicochemical difference between arginine and serine.